The following is an entry in ClinVar:

ClinVar aggregate classification (germline): Uncertain significance (1 of 4 stars; one submission).

Conditions:
Galactosylceramide beta-galactosidase deficiency. Also called: Krabbe Disease; Leukodystrophy, Globoid Cell; GALACTOCEREBROSIDASE DEFICIENCY; GALC DEFICIENCY; GLOBOID CELL LEUKOENCEPHALOPATHY. Identifiers: Orphanet 487, MedGen C0023521, MONDO:0009499, OMIM 245200.

gnomAD v4.1: 5 of 1,613,274 alleles (0.00031%); highest among the groups gnomAD compares: Non-Finnish European, 0.00042%; no homozygotes.

Submission:

Labcorp Genetics (formerly Invitae), Labcorp
Classification: Uncertain significance for Galactosylceramide beta-galactosidase deficiency. Last evaluated: 2022-07-15. Review status: criteria provided, single submitter. Criteria: Invitae Variant Classification Sherloc (09022015). Collection method: clinical testing. Allele origin: germline.
Comment: This sequence change replaces glutamine, which is neutral and polar, with histidine, which is basic and polar, at codon 675 of the GALC protein (p.Gln675His). This variant is not present in population databases (gnomAD no frequency). This variant has not been reported in the literature in individuals affected with GALC-related conditions. Advanced modeling of protein sequence and biophysical properties (such as structural, functional, and spatial information, amino acid conservation, physicochemical variation, residue mobility, and thermodynamic stability) performed at Invitae indicates that this missense variant is expected to disrupt GALC protein function. In summary, the available evidence is currently insufficient to determine the role of this variant in disease. Therefore, it has been classified as a Variant of Uncertain Significance.

NM_000153.4(GALC):c.2025G>T (p.Gln675His)

Gene: GALC (galactosylceramidase; minus strand). Cytogenetic location: 14q31.3.
Variant type: single nucleotide variant.
Coding change: c.2025G>T on transcript NM_000153.4 (MANE Select); coding-DNA position 2025, G replaced by T.
Protein change: p.Gln675His; replaces glutamine 675 with histidine.
Molecular consequence: missense variant.
Genome position (GRCh38, 1-based): chr14:87,934,765, C>A on the plus strand (G>T on the coding strand, the complement: GALC is on the minus strand). VCF-style: chr14-87934765-C-A. GRCh37 (hg19) VCF-style: chr14-88401109-C-A.
Other names: c.1956G>T, p.Gln652His (NM_001201401.2); c.1947G>T, p.Gln649His (NM_001201402.2); short protein forms Q649H, Q675H, Q652H.
Identifiers: ClinVar variation 1903927 (VCV001903927.2), dbSNP rs1884497147, ClinGen allele CA390745135.